The following is an entry in ClinVar:

NM_003072.5(SMARCA4):c.979C>T (p.Pro327Ser)

Gene: SMARCA4 (SWI/SNF related BAF chromatin remodeling complex subunit ATPase 4; plus strand). Cytogenetic location: 19p13.2.
Variant type: single nucleotide variant.
Coding change: c.979C>T on transcript NM_003072.5 (MANE Select); coding-DNA position 979, C replaced by T.
Protein change: p.Pro327Ser; replaces proline 327 with serine.
Molecular consequence: missense variant. On other transcripts: non-coding transcript variant (1).
Genome position (GRCh38, 1-based): chr19:10,987,785, C>T. VCF-style: chr19-10987785-C-T. GRCh37 (hg19) VCF-style: chr19-11098461-C-T.
Other names: c.979C>T, p.Pro327Ser (NM_001128844.3, NM_001128845.2, NM_001128846.2 and 6 more transcripts); short protein forms P327S.
Identifiers: ClinVar variation 1768227 (VCV001768227.4), dbSNP rs770946823, ClinGen allele CA404058568.

ClinVar aggregate classification (germline): Uncertain significance. Review status: criteria provided, multiple submitters, no conflicts (2 of 4 stars). 2 submissions from 2 submitters: Uncertain significance (2). Last evaluated 2024-04-15.

Conditions:
Hereditary cancer-predisposing syndrome. Also called: Hereditary Cancer Syndrome; Hereditary neoplastic syndrome; Neoplastic Syndromes, Hereditary; Tumor predisposition. Identifiers: Orphanet 140162, MedGen C0027672, MeSH D009386, MONDO:0015356.
Rhabdoid tumor predisposition syndrome 2 (RTPS2). Identifiers: Orphanet 231108, Orphanet 69077, MedGen C2750074, MONDO:0013224, OMIM 613325.

gnomAD v4.1: 1 of 1,600,204 alleles (0.000062%); highest among the groups gnomAD compares: Non-Finnish European, 0.000085%; no homozygotes.

Submissions (2):

Labcorp Genetics (formerly Invitae), Labcorp
Classification: Uncertain significance for Rhabdoid tumor predisposition syndrome 2. Last evaluated: 2024-04-15. Review status: criteria provided, single submitter. Criteria: Invitae Variant Classification Sherloc (09022015). Collection method: clinical testing. Allele origin: germline.
Comment: This sequence change replaces proline, which is neutral and non-polar, with serine, which is neutral and polar, at codon 327 of the SMARCA4 protein (p.Pro327Ser). This variant is not present in population databases (gnomAD no frequency). This variant has not been reported in the literature in individuals affected with SMARCA4-related conditions. ClinVar contains an entry for this variant (Variation ID: 1768227). Advanced modeling of protein sequence and biophysical properties (such as structural, functional, and spatial information, amino acid conservation, physicochemical variation, residue mobility, and thermodynamic stability) has been performed at Invitae for this missense variant, however the output from this modeling did not meet the statistical confidence thresholds required to predict the impact of this variant on SMARCA4 protein function. In summary, the available evidence is currently insufficient to determine the role of this variant in disease. Therefore, it has been classified as a Variant of Uncertain Significance.

Ambry Genetics
Classification: Uncertain significance for Hereditary cancer-predisposing syndrome. Last evaluated: 2021-05-18. Review status: criteria provided, single submitter. Criteria: Ambry Variant Classification Scheme 2023. Collection method: clinical testing. Allele origin: germline.
Comment: The p.P327S variant (also known as c.979C>T), located in coding exon 5 of the SMARCA4 gene, results from a C to T substitution at nucleotide position 979. The proline at codon 327 is replaced by serine, an amino acid with similar properties. Missense and in-frame variants in SMARCA4 are known to cause neurodevelopmental disorders; however, such associations with rhabdoid tumor predisposition syndrome including small cell carcinoma of the ovary-hypercalcemic type (SCCOHT) are exceedingly rare (Kosho T et al. Am J Med Genet C Semin Med Genet. 2014 Sep;166C(3):262-75; Jelinic P et al. Nat Genet. 2014 May;46(5):424-6). This amino acid position is well conserved in available vertebrate species. In addition, the in silico prediction for this alteration is inconclusive. Based on the supporting evidence, the association of this alteration with Coffin-Siris syndrome is unknown; however, the association of this alteration with rhabdoid tumor predisposition syndrome is unlikely.